The following is an entry in ClinVar:

ClinVar aggregate classification (germline): Uncertain significance (1 of 4 stars; one submission).

Conditions:
Neurofibromatosis, type 1 (NF1). Also called: Peripheral type neurofibromatosis; VON RECKLINGHAUSEN DISEASE; NEUROFIBROMATOSIS, TYPE I, SOMATIC; Neurofibromatosis, type I. Identifiers: Orphanet 636, MedGen C0027831, MONDO:0018975, OMIM 162200. Disease mechanism: loss of function.

Submission:

Labcorp Genetics (formerly Invitae), Labcorp
Classification: Uncertain significance for Neurofibromatosis, type 1. Last evaluated: 2022-09-21. Review status: criteria provided, single submitter. Criteria: Invitae Variant Classification Sherloc (09022015). Collection method: clinical testing. Allele origin: germline.
Comment: This sequence change replaces alanine, which is neutral and non-polar, with serine, which is neutral and polar, at codon 966 of the NF1 protein (p.Ala966Ser). This variant is not present in population databases (gnomAD no frequency). In summary, the available evidence is currently insufficient to determine the role of this variant in disease. Therefore, it has been classified as a Variant of Uncertain Significance. Advanced modeling of protein sequence and biophysical properties (such as structural, functional, and spatial information, amino acid conservation, physicochemical variation, residue mobility, and thermodynamic stability) performed at Invitae indicates that this missense variant is not expected to disrupt NF1 protein function. This variant has not been reported in the literature in individuals affected with NF1-related conditions.

NM_001042492.3(NF1):c.2896G>T (p.Ala966Ser)

Gene: NF1 (neurofibromin 1; plus strand). Cytogenetic location: 17q11.2.
Variant type: single nucleotide variant.
Coding change: c.2896G>T on transcript NM_001042492.3 (MANE Select); coding-DNA position 2896, G replaced by T.
Protein change: p.Ala966Ser; replaces alanine 966 with serine.
Molecular consequence: missense variant.
Genome position (GRCh38, 1-based): chr17:31,229,880, G>T. VCF-style: chr17-31229880-G-T. GRCh37 (hg19) VCF-style: chr17-29556898-G-T.
Other names: c.2896G>T, p.Ala966Ser (NM_000267.4); short protein forms A966S.
Identifiers: ClinVar variation 1719950 (VCV001719950.5), dbSNP rs876658849, ClinGen allele CA398986112.